The following is an entry in ClinVar:

ClinVar aggregate classification (germline): Benign/Likely benign. Review status: criteria provided, multiple submitters, no conflicts (2 of 4 stars). 9 submissions from 9 submitters: Benign (3); Likely benign (4). 2 of the submissions do not count toward it. Last evaluated 2025-11-21.

Conditions:
Tuberous sclerosis 1 (TSC1). Identifiers: Orphanet 805, MedGen C1854465, MONDO:0008612, OMIM 191100.

Allele frequency attached by ClinVar (database versions not stated): TOPMed below 0.00001; ExAC 0.00001; gnomAD 0.00001; gnomAD exomes 0.00001 and 0.00002.
gnomAD v4.1: 32 of 1,612,956 alleles (0.002%); highest among the groups gnomAD compares: Middle Eastern, 0.12%; no homozygotes.

Submissions (9):

Labcorp Genetics (formerly Invitae), Labcorp
Classification: Benign for Tuberous sclerosis 1. Last evaluated: 2025-11-21. Review status: criteria provided, single submitter. Criteria: Invitae Variant Classification Sherloc (09022015). Collection method: clinical testing. Allele origin: germline.

Genomic Medicine Center of Excellence, King Faisal Specialist Hospital and Research Centre
Classification: Likely benign. Last evaluated: 2025-08-18. Review status: criteria provided, single submitter. Criteria: ACMG Guidelines, 2015. Collection method: clinical testing. Allele origin: germline.

Myriad Genetics, Inc.
Classification: Likely benign for Tuberous sclerosis 1. Last evaluated: 2025-04-25. Review status: criteria provided, single submitter. Criteria: Myriad Autosomal Dominant, Autosomal Recessive and X-Linked Classification Criteria (2023). Collection method: clinical testing. Allele origin: unknown.
Comment: This variant is considered likely benign. This variant is intronic and is not expected to impact mRNA splicing.

Blueprint Genetics
Classification: Likely benign. Last evaluated: 2024-09-25. Review status: criteria provided, single submitter. Criteria: ACMG Guidelines, 2015. Collection method: clinical testing. Allele origin: germline.

KCCC/NGS Laboratory, Kuwait Cancer Control Center
Classification: Benign for Tuberous sclerosis 1. Last evaluated: 2023-07-07. Review status: criteria provided, single submitter. Criteria: ACMG Guidelines, 2015. Collection method: clinical testing. Allele origin: germline. Affected: yes.

GeneDx
Classification: Benign. Last evaluated: 2015-01-03. Review status: criteria provided, single submitter. Criteria: GeneDx Variant Classification (06012015). Collection method: clinical testing. Allele origin: germline. Affected: yes.
Comment: This variant is considered likely benign or benign based on one or more of the following criteria: it is a conservative change, it occurs at a poorly conserved position in the protein, it is predicted to be benign by multiple in silico algorithms, and/or has population frequency not consistent with disease.

Breakthrough Genomics
Classification: Likely benign. Review status: criteria provided, single submitter. Criteria: ACMG Guidelines, 2015. Collection method: not provided. Allele origin: germline. Inheritance: Autosomal dominant inheritance. Affected: yes.

Clinical Genetics DNA and cytogenetics Diagnostics Lab, Erasmus MC, Erasmus Medical Center
Classification: Likely benign. Review status: no assertion criteria provided. Collection method: clinical testing. Allele origin: germline. Affected: yes. Study: VKGL Data-share Consensus. Not counted in ClinVar's aggregate classification.

Genome Diagnostics Laboratory, Amsterdam University Medical Center
Classification: Likely benign. Review status: no assertion criteria provided. Collection method: clinical testing. Allele origin: germline. Affected: yes. Study: VKGL Data-share Consensus. Not counted in ClinVar's aggregate classification.

NM_000368.5(TSC1):c.2392-16A>G

Gene: TSC1 (TSC complex subunit 1; minus strand). Cytogenetic location: 9q34.13.
Variant type: single nucleotide variant.
Coding change: c.2392-16A>G on transcript NM_000368.5 (MANE Select); 16 bases into the intron before coding-DNA position 2392, A replaced by G.
Molecular consequence: intron variant.
Genome position (GRCh38, 1-based): chr9:132,901,715, T>C on the plus strand (A>G on the coding strand, the complement: TSC1 is on the minus strand). VCF-style: chr9-132901715-T-C. GRCh37 (hg19) VCF-style: chr9-135777102-T-C.
Other names: c.2029-16A>G (NM_001362177.2); c.2239-16A>G (NM_001162427.2); c.2389-16A>G (NM_001162426.2).
Identifiers: ClinVar variation 207616 (VCV000207616.15), dbSNP rs758374143, ClinGen allele CA032426.